The following is an entry in ClinVar:

ClinVar aggregate classification (germline): Likely benign (0 of 4 stars; one submission).

Conditions:
SECISBP2-related disorder. Also called: SECISBP2-related condition.

Allele frequency attached by ClinVar (database versions not stated): ExAC 0.00001; gnomAD 0.00001; gnomAD exomes 0.00001; TOPMed 0.00002.
gnomAD v4.1: 22 of 1,609,442 alleles (0.0014%); highest among the groups gnomAD compares: Non-Finnish European, 0.0018%; no homozygotes.

Submission:

PreventionGenetics, part of Exact Sciences
Classification: Likely benign for SECISBP2-related condition. Last evaluated: 2022-04-25. Review status: no assertion criteria provided. Collection method: clinical testing. Allele origin: germline.
Comment: This variant is classified as likely benign based on ACMG/AMP sequence variant interpretation guidelines (Richards et al. 2015 PMID: 25741868, with internal and published modifications).

NM_024077.5(SECISBP2):c.1296G>A (p.Gln432=)

Gene: SECISBP2 (SECIS binding protein 2; plus strand). Cytogenetic location: 9q22.2.
Variant type: single nucleotide variant.
Coding change: c.1296G>A on transcript NM_024077.5 (MANE Select); coding-DNA position 1296, G replaced by A.
Protein change: p.Gln432=; no amino-acid change (glutamine 432 retained).
Molecular consequence: synonymous variant. On other transcripts: intron variant (1).
Genome position (GRCh38, 1-based): chr9:89,339,947, G>A. VCF-style: chr9-89339947-G-A. GRCh37 (hg19) VCF-style: chr9-91954862-G-A.
Other names: c.1293G>A, p.Gln431= (NM_001282688.2); c.1077G>A, p.Gln359= (NM_001282689.2); c.1092G>A, p.Gln364= (NM_001282690.1); c.1179G>A, p.Gln393= (NM_001354696.2); c.1182G>A, p.Gln394= (NM_001354697.2); c.411G>A, p.Gln137= (NM_001354702.2); c.1095+1367G>A (NM_001354698.2).
Identifiers: ClinVar variation 3033037 (VCV003033037.2), dbSNP rs774784355, ClinGen allele CA5117372.
Genomic context (GRCh38, chr9:89,339,947, plus strand): 5'-GGCAGTTGCATCTGAAAGAAGAGACAGAATAGAGACACCGAAATTTCAATCTAAGCAGCA[G>A]CCACAGGTAATTTTTAGATTGAAACCACAAATTGCTTTAGGCTTAACTCTTCTGGCTCAA-3'
Protein context (NP_076982.3, residues 422-442): IETPKFQSKQ[Gln432=]PQDNFKNNVK